The following is an entry in ClinVar:

NC_000014.8:g.(?_95578499)_(95579571_?)del

Gene: DICER1 (dicer 1, ribonuclease III; minus strand). Cytogenetic location: 14q32.13.
Variant type: Deletion.
Identifiers: ClinVar variation 1070158 (VCV001070158.6).

ClinVar aggregate classification (germline): Pathogenic (1 of 4 stars; one submission).

Conditions:
DICER1-related tumor predisposition. Also called: DICER1-related pleuropulmonary blastoma cancer predisposition syndrome; DICER1 syndrome. Identifiers: Orphanet 284343, MedGen C3839822, MONDO:0100216.

Submission:

Labcorp Genetics (formerly Invitae), Labcorp
Classification: Pathogenic for DICER1-related tumor predisposition. Last evaluated: 2020-08-14. Review status: criteria provided, single submitter. Criteria: Invitae Variant Classification Sherloc (09022015). Collection method: clinical testing. Allele origin: germline.
Comment: This variant is an out-of-frame deletion of the genomic region encompassing exon(s) 12-13 of the DICER1 gene. This is expected to create a premature translational stop signal and result in an absent or disrupted protein product. This variant has not been reported in the literature in individuals with DICER1-related conditions. Loss-of-function variants in DICER1 are known to be pathogenic (PMID: 19556464, 21266384). For these reasons, this variant has been classified as Pathogenic.

Literature cited by the submitters: PubMed 19556464; PubMed 21266384.